The following is an entry in ClinVar:

NM_003072.5(SMARCA4):c.3081+5G>T

Gene: SMARCA4 (SWI/SNF related BAF chromatin remodeling complex subunit ATPase 4; plus strand). Cytogenetic location: 19p13.2.
Variant type: single nucleotide variant.
Coding change: c.3081+5G>T on transcript NM_003072.5 (MANE Select); 5 bases into the intron after coding-DNA position 3081, G replaced by T.
Molecular consequence: intron variant.
Genome position (GRCh38, 1-based): chr19:11,024,443, G>T. VCF-style: chr19-11024443-G-T. GRCh37 (hg19) VCF-style: chr19-11135119-G-T.
Other names: c.3081+5G>T (NM_001128844.3, NM_001128849.3, NM_001128847.4 and 6 more transcripts).
Identifiers: ClinVar variation 3572206 (VCV003572206.1).

ClinVar aggregate classification (germline): Uncertain significance (1 of 4 stars; one submission).

Submission:

Quest Diagnostics Nichols Institute San Juan Capistrano
Classification: Uncertain significance. Last evaluated: 2024-03-29. Review status: criteria provided, single submitter. Criteria: Quest Diagnostics criteria. Collection method: clinical testing. Allele origin: unknown.
Comment: The SMARCA4 c.3081+5G>T variant has not been reported in individuals with SMARCA4-related conditions in the published literature. It also has not been reported in large, multi-ethnic general populations (Genome Aggregation Database). Analysis of this variant using software algorithms for the prediction of the effect of nucleotide changes on splicing yielded predictions that this variant may affect proper SMARCA4 mRNA splicing. Based on the available information, we are unable to determine the clinical significance of this variant.